The following is an entry in ClinVar:

ClinVar aggregate classification (germline): Uncertain significance. Review status: criteria provided, multiple submitters, no conflicts (2 of 4 stars). 2 submissions from 2 submitters: Uncertain significance (2). Last evaluated 2025-10-21.

Conditions:
Thrombocytopenia 1. Also called: X-linked thrombocytopenia with normal platelets; THROMBOCYTOPENIA, X-LINKED, 1; X-Linked Thrombocytopenia (XLT). Identifiers: Orphanet 268322, Orphanet 852, MedGen C1839163, MONDO:0010743, OMIM 313900.
X-linked severe congenital neutropenia (SCNX). Identifiers: Orphanet 86788, MedGen C1845987, MONDO:0010294, OMIM 300299.
Wiskott-Aldrich syndrome (WAS). Also called: ALDRICH SYNDROME; IMMUNODEFICIENCY 2; WISKOTT-ALDRICH SYNDROME 1; Wiskott-aldrich syndrome, somatic. Identifiers: Orphanet 906, MedGen C0043194, MONDO:0010518, OMIM 301000.

Allele frequency attached by ClinVar (database versions not stated): gnomAD exomes below 0.00001 and 0.00001; TOPMed 0.00001.

Submissions (2):

Labcorp Genetics (formerly Invitae), Labcorp
Classification: Uncertain significance for Wiskott-Aldrich syndrome; X-linked severe congenital neutropenia; Thrombocytopenia 1. Last evaluated: 2025-10-21. Review status: criteria provided, single submitter. Criteria: Invitae Variant Classification Sherloc (09022015). Collection method: clinical testing. Allele origin: germline.
Comment: This sequence change replaces proline, which is neutral and non-polar, with arginine, which is basic and polar, at codon 23 of the WAS protein (p.Pro23Arg). This variant is present in population databases (no rsID available, gnomAD 0.001%). This variant has not been reported in the literature in individuals affected with WAS-related conditions. ClinVar contains an entry for this variant (Variation ID: 1285491). Invitae Evidence Modeling of protein sequence and biophysical properties (such as structural, functional, and spatial information, amino acid conservation, physicochemical variation, residue mobility, and thermodynamic stability) indicates that this missense variant is not expected to disrupt WAS protein function with a negative predictive value of 80%. In summary, the available evidence is currently insufficient to determine the role of this variant in disease. Therefore, it has been classified as a Variant of Uncertain Significance.

Institute of Human Genetics, University of Leipzig Medical Center
Classification: Uncertain significance for Wiskott-Aldrich syndrome. Last evaluated: 2020-12-18. Review status: criteria provided, single submitter. Criteria: ACMG Guidelines, 2015. Collection method: clinical testing. Allele origin: unknown. Affected: yes.

NM_000377.3(WAS):c.68C>G (p.Pro23Arg)

Gene: WAS (WASP actin nucleation promoting factor; plus strand). Cytogenetic location: Xp11.23.
Variant type: single nucleotide variant.
Coding change: c.68C>G on transcript NM_000377.3 (MANE Select); coding-DNA position 68, C replaced by G.
Protein change: p.Pro23Arg; replaces proline 23 with arginine.
Molecular consequence: missense variant.
Genome position (GRCh38, 1-based): chrX:48,683,921, C>G. VCF-style: chrX-48683921-C-G. GRCh37 (hg19) VCF-style: chrX-48542310-C-G.
Other names: short protein forms P23R.
Identifiers: ClinVar variation 1285491 (VCV001285491.6), dbSNP rs1464176187, ClinGen allele CA412865520.